The following is an entry in ClinVar:

ClinVar aggregate classification (germline): Likely pathogenic (1 of 4 stars; one submission).

Submission:

Dasa
Classification: Likely pathogenic. Last evaluated: 2026-01-29. Review status: criteria provided, single submitter. Criteria: DASA Assertion Criteria. Collection method: clinical testing. Allele origin: germline.
Comment: NM_001042702.5(PJVK):c.505_506del (p.Cys169Leufs*20) is a frameshift variant in PJVK predicted to alter the reading frame and introduce a premature termination codon and is predicted to result in an absent or altered protein product. Loss of function is an established disease mechanism for PJVK-associated disorders. Also, this variant is rare in population databases. Based on the currently available evidence, this variant is classified as likely pathogenic.

NM_001042702.5(PJVK):c.505_506del (p.Cys169fs)

Gene: PJVK (pejvakin; plus strand). Cytogenetic location: 2q31.2.
Variant type: Deletion.
Coding change: c.505_506del on transcript NM_001042702.5 (MANE Select); coding-DNA positions 505 to 506, 2 bases deleted (TG; older notation c.505_506delTG).
Protein change: p.Cys169fs; shifts the reading frame from cysteine 169.
Molecular consequence: frameshift variant.
Genome position (GRCh38, 1-based): chr2:178,456,107-178,456,108, TG deleted; deleting any 2 consecutive bases within chr2:178,456,106-178,456,108 gives the same sequence; the c. name uses the placement nearest the transcript's 3' end. VCF-style (leftmost placement, unchanged base first): chr2-178456105-AGT-A. GRCh37 (hg19) VCF-style: chr2-179320832-AGT-A.
Other names: c.514_515del, p.Cys172fs (NM_001353775.2); c.610_611del, p.Cys204fs (NM_001353776.2); c.28_29del, p.Cys10fs (NM_001353777.1, NM_001353778.2); c.505_506del, p.Cys169fs (NM_001369912.1); short protein forms C10fs, C169fs, C172fs, C204fs.
Identifiers: ClinVar variation 4880690 (VCV004880690.2).